The following is an entry in ClinVar:

ClinVar aggregate classification (germline): Uncertain significance. Review status: criteria provided, multiple submitters, no conflicts (2 of 4 stars). 3 submissions from 3 submitters: Uncertain significance (2). 1 of the submissions does not count toward it. Last evaluated 2025-08-06.

Conditions:
Cardiomyopathy (CMYO). Also called: Cardiomyopathies. Identifiers: Orphanet 167848, MedGen C0878544, MONDO:0004994, HP:0001638. Inheritance: Various modes of inheritance.
Hypertrophic cardiomyopathy. Also called: HYPERTROPHIC MYOCARDIOPATHY. Identifiers: Orphanet 217569, MedGen C0007194, MeSH D002312, MONDO:0005045, HP:0001639.

Allele frequency attached by ClinVar (database versions not stated): gnomAD exomes below 0.00001 and 0.00001; ExAC 0.00002.

Submissions (3):

Labcorp Genetics (formerly Invitae), Labcorp
Classification: Uncertain significance for Hypertrophic cardiomyopathy. Last evaluated: 2025-08-06. Review status: criteria provided, single submitter. Criteria: Invitae Variant Classification Sherloc (09022015). Collection method: clinical testing. Allele origin: germline.
Comment: This sequence change replaces isoleucine, which is neutral and non-polar, with threonine, which is neutral and polar, at codon 631 of the MYH7 protein (p.Ile631Thr). This variant is present in population databases (rs397516125, gnomAD 0.01%). This missense change has been observed in individual(s) with MYH7-related conditions (PMID: 27532257, 37652022). ClinVar contains an entry for this variant (Variation ID: 42871). Invitae Evidence Modeling of protein sequence and biophysical properties (such as structural, functional, and spatial information, amino acid conservation, physicochemical variation, residue mobility, and thermodynamic stability) indicates that this missense variant is not expected to disrupt MYH7 protein function with a negative predictive value of 95%. In summary, the available evidence is currently insufficient to determine the role of this variant in disease. Therefore, it has been classified as a Variant of Uncertain Significance.

Color Diagnostics, LLC DBA Color Health
Classification: Uncertain significance for Cardiomyopathy. Last evaluated: 2025-06-09. Review status: criteria provided, single submitter. Criteria: ACMG Guidelines, 2015. Collection method: clinical testing. Allele origin: germline.
Comment: This missense variant replaces isoleucine with threonine at codon 631 of the MYH7 protein. Computational prediction suggests that this variant may not impact protein structure and function. To our knowledge, functional studies have not been reported for this variant. This variant has been reported in an individual affected with dilated cardiomyopathy (PMID: 24503780, 27532257). This variant has been identified in 3/251362 chromosomes in the general population by the Genome Aggregation Database (gnomAD). The available evidence is insufficient to determine the role of this variant in disease conclusively. Therefore, this variant is classified as a Variant of Uncertain Significance.

Laboratory for Molecular Medicine, Mass General Brigham Personalized Medicine
Classification: Uncertain significance. Last evaluated: 2014-03-07. Review status: no assertion criteria provided. Collection method: clinical testing. Allele origin: germline. Observed: 2 variant alleles. Not counted in ClinVar's aggregate classification.
Comment: proposed classification - variant undergoing re-assessment, contact laboratory

Literature cited by the submitters: PubMed 27532257 (cited by Labcorp Genetics (formerly Invitae), Labcorp and Color Diagnostics, LLC DBA Color Health); PubMed 37652022 (cited by Labcorp Genetics (formerly Invitae), Labcorp); PubMed 24503780 (cited by Color Diagnostics, LLC DBA Color Health).

NM_000257.4(MYH7):c.1892T>C (p.Ile631Thr)

Gene: MYH7 (myosin heavy chain 7; minus strand). Cytogenetic location: 14q11.2.
Variant type: single nucleotide variant.
Coding change: c.1892T>C on transcript NM_000257.4 (MANE Select); coding-DNA position 1892, T replaced by C.
Protein change: p.Ile631Thr; replaces isoleucine 631 with threonine.
Molecular consequence: missense variant.
Genome position (GRCh38, 1-based): chr14:23,427,304, A>G on the plus strand (T>C on the coding strand, the complement: MYH7 is on the minus strand). VCF-style: chr14-23427304-A-G. GRCh37 (hg19) VCF-style: chr14-23896513-A-G.
Other names: short protein forms I631T.
Identifiers: ClinVar variation 42871 (VCV000042871.6), dbSNP rs397516125, ClinGen allele CA011428.